The following is an entry in ClinVar:

NM_001001557.4(GDF6):c.611C>T (p.Pro204Leu)

Gene: GDF6 (growth differentiation factor 6; minus strand). Cytogenetic location: 8q22.1.
Variant type: single nucleotide variant.
Coding change: c.611C>T on transcript NM_001001557.4 (MANE Select); coding-DNA position 611, C replaced by T.
Protein change: p.Pro204Leu; replaces proline 204 with leucine.
Molecular consequence: missense variant.
Genome position (GRCh38, 1-based): chr8:96,145,320, G>A on the plus strand (C>T on the coding strand, the complement: GDF6 is on the minus strand). VCF-style: chr8-96145320-G-A. GRCh37 (hg19) VCF-style: chr8-97157548-G-A.
Other names: short protein forms P204L.
Identifiers: ClinVar variation 1007576 (VCV001007576.8), dbSNP rs999492360, ClinGen allele CA371752238.

ClinVar aggregate classification (germline): Uncertain significance (1 of 4 stars; one submission).

Conditions:
Isolated microphthalmia 4. Identifiers: Orphanet 2542, MedGen C2751307, MONDO:0013130, OMIM 613094.
Leber congenital amaurosis 17 (LCA17). Identifiers: Orphanet 65, MedGen C3715164, MONDO:0014145, OMIM 615360.
Klippel-Feil syndrome 1, autosomal dominant (KFS1). Also called: CERVICAL VERTEBRAL FUSION, AUTOSOMAL DOMINANT. Identifiers: Orphanet 2345, MedGen C1861689, MONDO:0007306, OMIM 118100.
Microphthalmia, isolated, with coloboma 6 (MCOPCB6). Also called: Microphthalmia with coloboma 6, digenic; Microphthalmia with coloboma 6; MICROPHTHALMIA/COLOBOMA 6. Identifiers: Orphanet 98938, MedGen C3150968, MONDO:0013376, OMIM 613703.

gnomAD v4.1: 2 of 1,534,116 alleles (0.00013%); highest among the groups gnomAD compares: East Asian, 0.0049%; no homozygotes.

Submission:

Labcorp Genetics (formerly Invitae), Labcorp
Classification: Uncertain significance for Isolated microphthalmia 4; Leber congenital amaurosis 17; Klippel-Feil syndrome 1, autosomal dominant; Microphthalmia, isolated, with coloboma 6. Last evaluated: 2022-07-06. Review status: criteria provided, single submitter. Criteria: Invitae Variant Classification Sherloc (09022015). Collection method: clinical testing. Allele origin: germline.
Comment: This sequence change replaces proline, which is neutral and non-polar, with leucine, which is neutral and non-polar, at codon 204 of the GDF6 protein (p.Pro204Leu). This variant is not present in population databases (gnomAD no frequency). In summary, the available evidence is currently insufficient to determine the role of this variant in disease. Therefore, it has been classified as a Variant of Uncertain Significance. Algorithms developed to predict the effect of missense changes on protein structure and function output the following: SIFT: "Deleterious"; PolyPhen-2: "Benign"; Align-GVGD: "Class C0". The leucine amino acid residue is found in multiple mammalian species, which suggests that this missense change does not adversely affect protein function. ClinVar contains an entry for this variant (Variation ID: 1007576). This variant has not been reported in the literature in individuals affected with GDF6-related conditions.